The following is an entry in ClinVar:

ClinVar aggregate classification (germline): Conflicting classifications of pathogenicity. Review status: criteria provided, conflicting classifications (1 of 4 stars). 20 submissions from 20 submitters: Pathogenic (3); Likely pathogenic (12); Uncertain significance (1). 4 of the submissions do not count toward it. Last evaluated 2026-09-23.

Conditions:
SI-related disorder. Also called: SI-related condition.
SI-related disorders.
Sucrase-isomaltase deficiency (CSID). Also called: Congenital sucrose isomaltose malabsorption; Sucrose isomaltose enzyme deficiency; SI DEFICIENCY; Deficiency of isomaltase. Identifiers: Orphanet 35122, MedGen C1283620, MONDO:0009114, OMIM 222900.

Allele frequency attached by ClinVar (database versions not stated): 1000 Genomes Project 30x 0.00031; 1000 Genomes Project 0.00040; gnomAD 0.00128 and 0.00131; TOPMed 0.00133; gnomAD exomes 0.00160; ExAC 0.00197.
gnomAD v4.1: 3,793 of 1,605,538 alleles (0.24%); highest among the groups gnomAD compares: Non-Finnish European, 0.29%; 7 homozygotes.

Submissions 1 to 14 of 20:

GeneDx
Classification: Likely pathogenic. Last evaluated: 2026-09-23. Review status: criteria provided, single submitter. Criteria: GeneDx Variant Classification Process June 2021. Collection method: clinical testing. Allele origin: germline.
Comment: Published functional studies demonstrate a damaging effect with misfolding of the SI protein, preventing the protein from exiting the endoplasmic reticulum and resulting in loss of enzymatic function (PMID: 19121318, 35985447); Suggested as a possible predisposition factor for irritable bowel syndrome when seen in the heterozygous state with no second SI variant (PMID: 27872184); In silico analysis supports that this missense variant has a deleterious effect on protein structure/function; This variant is associated with the following publications: (PMID: 37790351, 31589614, 27749612, 16329100, 30609409, 32732636, 35985447, 36167617, 35753512, 37349966, 37951511, 36422736, 38682389, Irlayc2024[Article], 30409984, 19121318, 27872184, 38327254, 28062276, 23103650, 41546858, 26812950, 41125338, 32433684)

PreventionGenetics, part of Exact Sciences
Classification: Pathogenic for SI-related condition. Last evaluated: 2026-06-23. Review status: criteria provided, single submitter. Criteria: ACMG Guidelines, 2015. Collection method: clinical testing. Allele origin: germline.
Comment: The SI c.1730T>G variant is predicted to result in the amino acid substitution p.Val577Gly. This variant has been reported in multiple individuals with autosomal recessive congenital sucrase-isomaltase deficiency (see, for example: Sander et al. 2006. PubMed ID: 16329100; Uhrich et al. 2012. PubMed ID: 23103650; Deb et al. 2021. PubMed ID: 32732636). This variant is reported in 0.31% of alleles in individuals of Ashkenazi Jewish descent in gnomAD. This variant is interpreted as pathogenic.

Dasa
Classification: Likely pathogenic. Last evaluated: 2026-03-28. Review status: criteria provided, single submitter. Criteria: DASA Assertion Criteria. Collection method: clinical testing. Allele origin: germline.
Comment: NM_001041.4(SI):c.1730T>G (p.Val577Gly) is a missense variant that results in the substitution of valine with glycine. Segregation data support an association with disease in the reported family/families (PMID: 27749612). This variant has been recurrently observed in individuals with SI-related disorders (PMID: 27749612; PMID: 28062276; PMID: 19121318). Functional evidence supports an impact on the gene or gene product. Also, this variant is rare in population databases. Computational evidence supports a deleterious effect. Based on the currently available evidence, this variant is classified as likely pathogenic.

First Genomix Gene Laboratory, Genetic Diagnostics Department
Classification: Likely pathogenic for Sucrase-isomaltase deficiency. Last evaluated: 2025-05-29. Review status: criteria provided, single submitter. Criteria: ACMG Guidelines, 2015. Collection method: clinical testing. Allele origin: germline. Inheritance: Autosomal recessive inheritance. Affected: no. Observed: 1 variant allele.

Blueprint Genetics
Classification: Likely pathogenic for SI-related disorders. Last evaluated: 2024-11-20. Review status: criteria provided, single submitter. Criteria: ACMG Guidelines, 2015. Collection method: clinical testing. Allele origin: germline. Affected: yes. Observed: 5 variant alleles.

CeGaT Center for Human Genetics Tuebingen
Classification: Likely pathogenic. Last evaluated: 2024-08-01. Review status: criteria provided, single submitter. Criteria: CeGaT Center For Human Genetics Tuebingen Variant Classification Criteria Version 2. Collection method: clinical testing. Allele origin: germline. Affected: yes. Observed: 1 variant allele.
Comment: SI: PM3:Strong, PM2:Supporting, PS3:Supporting

Aleixo Muise Laboratory, Hospital For Sick Children
Classification: Likely pathogenic for Sucrase-isomaltase deficiency. Last evaluated: 2024-07-05. Review status: criteria provided, single submitter. Criteria: ACMG Guidelines, 2015. Collection method: research. Allele origin: germline. Affected: yes. Observed: 1 variant allele.
Comment: PS3;PM2;PP3;PP4

Department of Pathology and Laboratory Medicine, Sinai Health System
Classification: Likely pathogenic for Sucrase-isomaltase deficiency. Last evaluated: 2023-10-24. Review status: criteria provided, single submitter. Criteria: ACMG Guidelines, 2015. Collection method: research. Allele origin: germline.

Revvity Omics, Revvity
Classification: Likely pathogenic for Sucrase-isomaltase deficiency. Last evaluated: 2023-07-18. Review status: criteria provided, single submitter. Criteria: ACMG Guidelines, 2015. Collection method: clinical testing. Allele origin: germline.

Labcorp Genetics (formerly Invitae), Labcorp
Classification: Uncertain significance. Last evaluated: 2022-10-31. Review status: criteria provided, single submitter. Criteria: Invitae Variant Classification Sherloc (09022015). Collection method: clinical testing. Allele origin: germline.
Comment: This sequence change replaces valine, which is neutral and non-polar, with glycine, which is neutral and non-polar, at codon 577 of the SI protein (p.Val577Gly). This variant is present in population databases (rs121912615, gnomAD 0.3%), including at least one homozygous and/or hemizygous individual. This missense change has been observed in individual(s) with clinical features of congenital sucrase isomaltase deficiency (CSID) (PMID: 16329100, 23103650, 27749612, 28062276). It is commonly reported in individuals of European ancestry (PMID: 23103650, 28062276). ClinVar contains an entry for this variant (Variation ID: 1418). Advanced modeling of protein sequence and biophysical properties (such as structural, functional, and spatial information, amino acid conservation, physicochemical variation, residue mobility, and thermodynamic stability) has been performed at Invitae for this missense variant, however the output from this modeling did not meet the statistical confidence thresholds required to predict the impact of this variant on SI protein function. Experimental studies have shown that this missense change affects SI function (PMID: 19121318). In summary, the available evidence is currently insufficient to determine the role of this variant in disease. Therefore, it has been classified as a Variant of Uncertain Significance.

Fulgent Genetics
Classification: Likely pathogenic for Sucrase-isomaltase deficiency. Last evaluated: 2021-06-30. Review status: criteria provided, single submitter. Criteria: ACMG Guidelines, 2015. Collection method: clinical testing. Allele origin: unknown.
Comment: This variant has been detected in individual(s) who were sent for testing of Renasight - kidney gene panel.

Baylor Genetics
Classification: Likely pathogenic for Sucrase-isomaltase deficiency. Last evaluated: 2021-05-24. Review status: criteria provided, single submitter. Criteria: ACMG Guidelines, 2015. Collection method: clinical testing. Allele origin: unknown.

Laboratory for Molecular Medicine, Mass General Brigham Personalized Medicine
Classification: Likely pathogenic for Sucrase-isomaltase deficiency. Last evaluated: 2020-03-30. Review status: criteria provided, single submitter. Criteria: LMM Criteria. Collection method: clinical testing. Allele origin: germline. Inheritance: Autosomal recessive inheritance. Observed: 3 variant alleles.
Comment: The p.Val577Gly (NM_001041.3 c.1730T>G) variant in SI has been reported in 2 compound heterozygous individuals with congenital sucrase-isomaltase deficiency (Sander 2006 and Haberman 2016), and segregated in 2 family members in 2 families (Sander 2006 and Haberman 2016). This variant has also been reported in ClinVar (Variation ID 1418). It has been identified in 0.3% (31/10004) of Ashkenazi Jewish and 0.3% of (342/126222) European chromosomes, including 1 homozygote, by gnomAD. Although this variant has been seen in the general population, its frequency is low enough to be consistent with a recessive carrier frequency. In vitro functional studies of the p.Val577Gly variant report an impact to protein folding (Alfalah 2009). Computational prediction tools and conservation analyses suggest that this variant may impact the protein, though this information is not predictive enough to determine pathogenicity. In summary, this variant meets criteria to be classified as likely pathogenic for autosomal recessive congenital sucrase-isomaltase deficiency based upon biallelic occurrence in affected individuals, segregation data and functional evidence. ACMG/AMP Criteria applied: PM3_Strong, PP1, PP3, PS3_Supporting

Eurofins Ntd Llc (ga)
Classification: Pathogenic. Last evaluated: 2018-08-31. Review status: criteria provided, single submitter. Criteria: EGL ClinVar v180209 classification definitions. Collection method: clinical testing. Allele origin: germline. Observed: 1 variant allele, 1 heterozygote.

NM_001041.4(SI):c.1730T>G (p.Val577Gly)

Gene: SI (sucrase-isomaltase; minus strand). Cytogenetic location: 3q26.1.
Variant type: single nucleotide variant.
Coding change: c.1730T>G on transcript NM_001041.4 (MANE Select); coding-DNA position 1730, T replaced by G.
Protein change: p.Val577Gly; replaces valine 577 with glycine.
Molecular consequence: missense variant.
Genome position (GRCh38, 1-based): chr3:165,046,998, A>C on the plus strand (T>G on the coding strand, the complement: SI is on the minus strand). VCF-style: chr3-165046998-A-C. GRCh37 (hg19) VCF-style: chr3-164764786-A-C.
Other names: short protein forms V577G.
Identifiers: ClinVar variation 1418 (VCV000001418.65), dbSNP rs121912615, ClinGen allele CA115005.